The following is an entry in ClinVar:

ClinVar aggregate classification (germline): Benign. Review status: criteria provided, multiple submitters, no conflicts (2 of 4 stars). 2 submissions from 2 submitters: Benign (2). Last evaluated 2018-01-13.

Conditions:
Posterior column ataxia-retinitis pigmentosa syndrome (RETSNS). Also called: RETINOPATHY-SENSORY NEUROPATHY SYNDROME. Identifiers: Orphanet 88628, MedGen C1836916, MONDO:0012177, OMIM 609033.

Allele frequency attached by ClinVar (database versions not stated): 1000 Genomes Project 30x 0.02030; 1000 Genomes Project 0.01957; gnomAD 0.02475 and 0.02608; TOPMed 0.02681; gnomAD exomes 0.00947.
gnomAD v4.1: 5,141 of 298,850 alleles (1.7%); highest among the groups gnomAD compares: African/African-American, 6.9%; 122 homozygotes.

Submissions (2):

Illumina Laboratory Services, Illumina
Classification: Benign for Posterior column ataxia-retinitis pigmentosa syndrome. Last evaluated: 2018-01-13. Review status: criteria provided, single submitter. Criteria: ICSL Variant Classification Criteria 13 December 2019. Collection method: clinical testing. Allele origin: germline.
Comment: This variant was observed in the ICSL laboratory as part of a predisposition screen in an ostensibly healthy population. It had not been previously curated by ICSL or reported in the Human Gene Mutation Database (HGMD: prior to June 1st, 2018), and was therefore a candidate for classification through an automated scoring system. Utilizing variant allele frequency, disease prevalence and penetrance estimates, and inheritance mode, an automated score was calculated to assess if this variant is too frequent to cause the disease. Based on the score and internal cut-off values, a variant classified as benign is not then subjected to further curation. The score for this variant resulted in a classification of benign for this disease.

Breakthrough Genomics
Classification: Benign. Review status: criteria provided, single submitter. Criteria: ACMG Guidelines, 2015. Collection method: not provided. Allele origin: germline. Inheritance: Autosomal recessive inheritance. Affected: yes.

NM_014053.4(FLVCR1):c.*377T>C

Gene: FLVCR1 (FLVCR choline and heme transporter 1; plus strand). Cytogenetic location: 1q32.3.
Variant type: single nucleotide variant.
Coding change: c.*377T>C on transcript NM_014053.4 (MANE Select); 377 bases downstream of the stop codon, T replaced by C.
Molecular consequence: 3 prime UTR variant.
Genome position (GRCh38, 1-based): chr1:212,895,667, T>C. VCF-style: chr1-212895667-T-C. GRCh37 (hg19) VCF-style: chr1-213069009-T-C.
Identifiers: ClinVar variation 295335 (VCV000295335.6), dbSNP rs41258034, ClinGen allele CA10609722.
Genomic context (GRCh38, chr1:212,895,667, plus strand): 5'-TGTAGAAAATGGAAGCTTAGAATACTTTTTAAAGTGATAATATGGGGTGTTCAGTCCCCA[T>C]AAGATATAATAGTTCATGCAGTTTATATATTAAAGTATCCAGTGGAACTAAATGTACAAT-3'